The following is an entry in ClinVar:

ClinVar aggregate classification (germline): Pathogenic. Review status: criteria provided, multiple submitters, no conflicts (2 of 4 stars). 2 submissions from 2 submitters: Pathogenic (2). Last evaluated 2024-01-19.

Conditions:
Familial cancer of breast. Also called: BREAST CANCER, FAMILIAL; hereditary breast carcinoma; Hereditary breast cancer. Identifiers: Orphanet 227535, MedGen C0346153, MONDO:0016419, OMIM 114480. Disease mechanism: loss of function.

Submissions (2):

Labcorp Genetics (formerly Invitae), Labcorp
Classification: Pathogenic for Familial cancer of breast. Last evaluated: 2024-01-19. Review status: criteria provided, single submitter. Criteria: Invitae Variant Classification Sherloc (09022015). Collection method: clinical testing. Allele origin: germline.
Comment: This sequence change creates a premature translational stop signal (p.Ile249Leufs*3) in the BARD1 gene. It is expected to result in an absent or disrupted protein product. Loss-of-function variants in BARD1 are known to be pathogenic (PMID: 20077502, 21344236). This variant is not present in population databases (gnomAD no frequency). This variant has not been reported in the literature in individuals affected with BARD1-related conditions. ClinVar contains an entry for this variant (Variation ID: 580180). For these reasons, this variant has been classified as Pathogenic.

Myriad Genetics, Inc.
Classification: Pathogenic for Familial cancer of breast. Last evaluated: 2023-05-19. Review status: criteria provided, single submitter. Criteria: Myriad Autosomal Dominant, Autosomal Recessive and X-Linked Classification Criteria (2023). Collection method: clinical testing. Allele origin: unknown.
Comment: This variant is considered pathogenic. This variant creates a frameshift predicted to result in premature protein truncation.

Literature cited by the submitters: PubMed 20077502 (cited by Labcorp Genetics (formerly Invitae), Labcorp); PubMed 21344236 (cited by Labcorp Genetics (formerly Invitae), Labcorp).

NM_000465.4(BARD1):c.741_750del (p.Ile249fs)

Gene: BARD1 (BRCA1 associated RING domain 1; minus strand). Cytogenetic location: 2q35.
Variant type: Deletion.
Coding change: c.741_750del on transcript NM_000465.4 (MANE Select); coding-DNA positions 741 to 750, 10 bases deleted (TGTTATCTCC; older notation c.741_750delTGTTATCTCC).
Protein change: p.Ile249fs; shifts the reading frame from isoleucine 249.
Molecular consequence: frameshift variant. On other transcripts: non-coding transcript variant (2), intron variant (3).
Genome position (GRCh38, 1-based): chr2:214,781,124-214,781,133, GGAGATAACA deleted on the plus strand (TGTTATCTCC on the coding strand, the reverse complement: BARD1 is on the minus strand); deleting any 10 consecutive bases within chr2:214,781,124-214,781,134 gives the same sequence; the c. name uses the placement nearest the transcript's 3' end. VCF-style (leftmost placement, unchanged base first): chr2-214781123-TGGAGATAACA-T. GRCh37 (hg19) VCF-style: chr2-215645847-TGGAGATAACA-T.
Other names: c.741_750del (NM_000465.3); c.684_693del, p.Ile230fs (NM_001282543.2); c.158+28279_158+28288del (NM_001282548.2); c.215+15928_215+15937del (NM_001282545.2); c.364+11164_364+11173del (NM_001282549.2); short protein forms I249fs, I230fs.
Identifiers: ClinVar variation 580180 (VCV000580180.11), dbSNP rs1559425098, ClinGen allele CA891843067.